The following is an entry in ClinVar:

NM_015205.3(ATP11A):c.2736C>T (p.Tyr912=)

Gene: ATP11A (ATPase phospholipid transporting 11A; plus strand). Cytogenetic location: 13q34.
Variant type: single nucleotide variant.
Coding change: c.2736C>T on transcript NM_015205.3 (MANE Select); coding-DNA position 2736, C replaced by T.
Protein change: p.Tyr912=; no amino-acid change (tyrosine 912 retained).
Molecular consequence: synonymous variant.
Genome position (GRCh38, 1-based): chr13:112,860,295, C>T. VCF-style: chr13-112860295-C-T. GRCh37 (hg19) VCF-style: chr13-113514609-C-T.
Other names: c.2736C>T, p.Tyr912= (NM_001405661.1, NM_001405662.1, NM_001405663.1 and 1 more transcripts).
Identifiers: ClinVar variation 4281070 (VCV004281070.7).

ClinVar aggregate classification (germline): Likely benign (1 of 4 stars; one submission).

gnomAD v4.1: 121 of 1,613,656 alleles (0.0075%); highest among the groups gnomAD compares: Non-Finnish European, 0.0085%; no homozygotes.

Submission:

CeGaT Center for Human Genetics Tuebingen
Classification: Likely benign. Last evaluated: 2025-10-01. Review status: criteria provided, single submitter. Criteria: CeGaT Center For Human Genetics Tuebingen Variant Classification Criteria Version 2. Collection method: clinical testing. Allele origin: germline. Affected: yes. Observed: 1 variant allele.
Comment: ATP11A: BP4, BP7